The following is an entry in ClinVar:

NM_000528.4(MAN2B1):c.2511G>A (p.Trp837Ter)

Gene: MAN2B1 (mannosidase alpha class 2B member 1; minus strand). Cytogenetic location: 19p13.13.
Variant type: single nucleotide variant.
Coding change: c.2511G>A on transcript NM_000528.4 (MANE Select); coding-DNA position 2511, G replaced by A.
Protein change: p.Trp837Ter; replaces tryptophan 837 with a stop codon.
Molecular consequence: nonsense.
Genome position (GRCh38, 1-based): chr19:12,648,328, C>T on the plus strand (G>A on the coding strand, the complement: MAN2B1 is on the minus strand). VCF-style: chr19-12648328-C-T. GRCh37 (hg19) VCF-style: chr19-12759142-C-T.
Other names: c.2508G>A, p.Trp836Ter (NM_001173498.2); short protein forms W836*, W837*.
Identifiers: ClinVar variation 2772911 (VCV002772911.3), dbSNP rs2512486704, ClinGen allele CA404240179.

ClinVar aggregate classification (germline): Pathogenic (1 of 4 stars; one submission).

Conditions:
Deficiency of alpha-mannosidase (MANSA). Also called: Mannosidosis, alpha-, types I and II; LYSOSOMAL ALPHA-D-MANNOSIDASE DEFICIENCY; Alpha-Mannosidosis. Identifiers: Orphanet 61, MedGen C0024748, MONDO:0009561, OMIM 248500.

Allele frequency attached by ClinVar (database versions not stated): gnomAD exomes below 0.00001.
gnomAD v4.1: 1 of 1,613,772 alleles (0.000062%); highest among the groups gnomAD compares: Non-Finnish European, 0.000085%; no homozygotes.

Submission:

Labcorp Genetics (formerly Invitae), Labcorp
Classification: Pathogenic for Deficiency of alpha-mannosidase. Last evaluated: 2023-11-06. Review status: criteria provided, single submitter. Criteria: Invitae Variant Classification Sherloc (09022015). Collection method: clinical testing. Allele origin: germline.
Comment: This sequence change creates a premature translational stop signal (p.Trp837*) in the MAN2B1 gene. It is expected to result in an absent or disrupted protein product. Loss-of-function variants in MAN2B1 are known to be pathogenic (PMID: 9915946, 22161967). This variant is not present in population databases (gnomAD no frequency). This variant has not been reported in the literature in individuals affected with MAN2B1-related conditions. For these reasons, this variant has been classified as Pathogenic.

Literature cited by the submitters: PubMed 9915946; PubMed 22161967.